The following is an entry in ClinVar:

ClinVar aggregate classification (germline): Likely benign. Review status: criteria provided, multiple submitters, no conflicts (2 of 4 stars). 4 submissions from 4 submitters: Likely benign (4). Last evaluated 2026-01-29.

Conditions:
Joubert syndrome. Also called: JOUBERT-BOLTSHAUSER SYNDROME; Familial aplasia of the vermis. Identifiers: Orphanet 475, MedGen C5979921, MONDO:0018772.
AHI1-related disorder. Also called: AHI1-related condition.

Allele frequency attached by ClinVar (database versions not stated): ExAC 0.00002; gnomAD 0.00002; gnomAD exomes 0.00002; TOPMed 0.00002.

Submissions (4):

Labcorp Genetics (formerly Invitae), Labcorp
Classification: Likely benign for Joubert syndrome. Last evaluated: 2026-01-29. Review status: criteria provided, single submitter. Criteria: Invitae Variant Classification Sherloc (09022015). Collection method: clinical testing. Allele origin: germline.

PreventionGenetics, part of Exact Sciences
Classification: Likely benign for AHI1-related condition. Last evaluated: 2025-08-09. Review status: criteria provided, single submitter. Criteria: ACMG Guidelines, 2015. Collection method: clinical testing. Allele origin: germline.
Comment: This variant is classified as likely benign based on ACMG/AMP sequence variant interpretation guidelines (Richards et al. 2015 PMID: 25741868, with internal and published modifications).

Blueprint Genetics
Classification: Likely benign. Last evaluated: 2024-10-07. Review status: criteria provided, single submitter. Criteria: ACMG Guidelines, 2015. Collection method: clinical testing. Allele origin: germline.

Breakthrough Genomics
Classification: Likely benign. Review status: criteria provided, single submitter. Criteria: ACMG Guidelines, 2015. Collection method: not provided. Allele origin: germline. Inheritance: Autosomal recessive inheritance. Affected: yes.

NM_001134831.2(AHI1):c.996G>A (p.Pro332=)

Gene: AHI1 (Abelson helper integration site 1; minus strand). Cytogenetic location: 6q23.3.
Variant type: single nucleotide variant.
Coding change: c.996G>A on transcript NM_001134831.2 (MANE Select); coding-DNA position 996, G replaced by A.
Protein change: p.Pro332=; no amino-acid change (proline 332 retained).
Molecular consequence: synonymous variant.
Genome position (GRCh38, 1-based): chr6:135,457,649, C>T on the plus strand (G>A on the coding strand, the complement: AHI1 is on the minus strand). VCF-style: chr6-135457649-C-T. GRCh37 (hg19) VCF-style: chr6-135778787-C-T.
Other names: c.996G>A (NM_017651.4); c.996G>A, p.Pro332= (NM_001134830.2, NM_001134832.2, NM_001350503.2 and 2 more transcripts).
Identifiers: ClinVar variation 1077209 (VCV001077209.12), dbSNP rs765587432, ClinGen allele CA4012686.